The following is an entry in ClinVar:

ClinVar aggregate classification (germline): Uncertain significance (1 of 4 stars; one submission).

Conditions:
RFT1-congenital disorder of glycosylation (CDG1N). Also called: CDG In; Congenital disorder of glycosylation type In; RFT1-CDG. Identifiers: Orphanet 244310, MedGen C2677590, MONDO:0012783, OMIM 612015.

Allele frequency attached by ClinVar (database versions not stated): gnomAD exomes below 0.00001; ExAC 0.00001; TOPMed 0.00002; gnomAD 0.00004.
gnomAD v4.1: 7 of 1,614,130 alleles (0.00043%); highest among the groups gnomAD compares: African/African-American, 0.0093%; no homozygotes.

Submission:

Labcorp Genetics (formerly Invitae), Labcorp
Classification: Uncertain significance for RFT1-congenital disorder of glycosylation. Last evaluated: 2022-06-08. Review status: criteria provided, single submitter. Criteria: Invitae Variant Classification Sherloc (09022015). Collection method: clinical testing. Allele origin: germline.
Comment: This sequence change replaces isoleucine, which is neutral and non-polar, with phenylalanine, which is neutral and non-polar, at codon 524 of the RFT1 protein (p.Ile524Phe). This variant is present in population databases (rs772772816, gnomAD 0.02%). This variant has not been reported in the literature in individuals affected with RFT1-related conditions. Algorithms developed to predict the effect of missense changes on protein structure and function are either unavailable or do not agree on the potential impact of this missense change (SIFT: "Deleterious"; PolyPhen-2: "Benign"; Align-GVGD: "Class C0"). In summary, the available evidence is currently insufficient to determine the role of this variant in disease. Therefore, it has been classified as a Variant of Uncertain Significance.

NM_052859.4(RFT1):c.1570A>T (p.Ile524Phe)

Gene: RFT1 (RFT1 glycolipid translocator homolog; minus strand). Cytogenetic location: 3p21.1.
Variant type: single nucleotide variant.
Coding change: c.1570A>T on transcript NM_052859.4 (MANE Select); coding-DNA position 1570, A replaced by T.
Protein change: p.Ile524Phe; replaces isoleucine 524 with phenylalanine.
Molecular consequence: missense variant.
Genome position (GRCh38, 1-based): chr3:53,091,959, T>A on the plus strand (A>T on the coding strand, the complement: RFT1 is on the minus strand). VCF-style: chr3-53091959-T-A. GRCh37 (hg19) VCF-style: chr3-53125975-T-A.
Other names: short protein forms I524F.
Identifiers: ClinVar variation 1942024 (VCV001942024.2), dbSNP rs772772816, ClinGen allele CA2451121.